The following is an entry in ClinVar:

ClinVar aggregate classification (germline): Uncertain significance (1 of 4 stars; one submission).

Submission:

Ambry Genetics
Classification: Uncertain significance. Last evaluated: 2024-02-09. Review status: criteria provided, single submitter. Criteria: Ambry Variant Classification Scheme 2023. Collection method: clinical testing. Allele origin: germline.
Comment: The p.Q81H variant (also known as c.243G>C), located in coding exon 4 of the RPS20 gene, results from a G to C substitution at nucleotide position 243. The glutamine at codon 81 is replaced by histidine, an amino acid with highly similar properties. This amino acid position is conserved. In addition, this alteration is predicted to be deleterious by in silico analysis. Based on the available evidence, the clinical significance of this alteration remains unclear.

NM_001023.4(RPS20):c.243G>C (p.Gln81His)

Gene: RPS20 (ribosomal protein S20; minus strand). Cytogenetic location: 8q12.1.
Variant type: single nucleotide variant.
Coding change: c.243G>C on transcript NM_001023.4 (MANE Select); coding-DNA position 243, G replaced by C.
Protein change: p.Gln81His; replaces glutamine 81 with histidine.
Molecular consequence: missense variant.
Genome position (GRCh38, 1-based): chr8:56,073,207, C>G on the plus strand (G>C on the coding strand, the complement: RPS20 is on the minus strand). VCF-style: chr8-56073207-C-G. GRCh37 (hg19) VCF-style: chr8-56985766-C-G.
Other names: c.243G>C, p.Gln81His (NM_001146227.3); short protein forms Q81H.
Identifiers: ClinVar variation 3232368 (VCV003232368.1), dbSNP rs2486981995, ClinGen allele CA371283059.